The following is an entry in ClinVar:

ClinVar aggregate classification (germline): Benign. Review status: criteria provided, multiple submitters, no conflicts (2 of 4 stars). 14 submissions from 14 submitters: Benign (11). 3 of the submissions do not count toward it. Last evaluated 2026-02-04.

Conditions:
Cardiovascular phenotype. Identifiers: MedGen CN230736.
Walker-Warburg congenital muscular dystrophy. Also called: Muscular dystrophy-dystroglycanopathy, type A; Walker-Warburg syndrome. Identifiers: Orphanet 899, MedGen C0265221, MONDO:0000171.
Autosomal recessive limb-girdle muscular dystrophy type 2I. Also called: MUSCULAR DYSTROPHY-DYSTROGLYCANOPATHY (LIMB-GIRDLE), TYPE C, 5; MUSCULAR DYSTROPHY, LIMB-GIRDLE, TYPE 2I; MUSCULAR DYSTROPHY-DYSTROGLYCANOPATHY, LIMB-GIRDLE, FRKP-RELATED. Identifiers: Orphanet 34515, MedGen C1846672, MONDO:0011787, OMIM 607155.

Allele frequency attached by ClinVar (database versions not stated): gnomAD exomes 0.00144 and 0.00352; gnomAD 0.01386 and 0.01474; ExAC 0.00550; 1000 Genomes Project 0.01298; 1000 Genomes Project 30x 0.01359; TOPMed 0.01540; ESP Exome Variant Server 0.01577.
gnomAD v4.1: 4,294 of 1,599,130 alleles (0.27%); highest among the groups gnomAD compares: African/African-American, 4.8%; 91 homozygotes.

Submissions (14):

Labcorp Genetics (formerly Invitae), Labcorp
Classification: Benign for Walker-Warburg congenital muscular dystrophy. Last evaluated: 2026-02-04. Review status: criteria provided, single submitter. Criteria: Invitae Variant Classification Sherloc (09022015). Collection method: clinical testing. Allele origin: germline.

Molecular Diagnostic Laboratory for Inherited Cardiovascular Disease, Montreal Heart Institute
Classification: Benign. Last evaluated: 2025-04-09. Review status: criteria provided, single submitter. Criteria: ACMG Guidelines, 2015. Collection method: clinical testing. Allele origin: germline. Affected: no.

Women's Health and Genetics/Laboratory Corporation of America, LabCorp
Classification: Benign. Last evaluated: 2023-08-19. Review status: criteria provided, single submitter. Criteria: LabCorp Variant Classification Summary - May 2015. Collection method: clinical testing. Allele origin: germline.

Mayo Clinic Laboratories, Mayo Clinic
Classification: Benign. Last evaluated: 2023-02-03. Review status: criteria provided, single submitter. Criteria: ACMG Guidelines, 2015. Collection method: clinical testing. Allele origin: germline. Observed: 30 variant alleles.
Comment: BA1, BP4, BP7

Athena Diagnostics
Classification: Benign. Last evaluated: 2022-05-02. Review status: criteria provided, single submitter. Criteria: Athena Diagnostics Criteria. Collection method: clinical testing. Allele origin: unknown.

ARUP Laboratories, Molecular Genetics and Genomics, ARUP Laboratories
Classification: Benign. Last evaluated: 2020-10-20. Review status: criteria provided, single submitter. Criteria: ARUP Molecular Germline Variant Investigation Process 2021. Collection method: clinical testing. Allele origin: germline.

Ambry Genetics
Classification: Benign for Cardiovascular phenotype. Last evaluated: 2018-12-24. Review status: criteria provided, single submitter. Criteria: Ambry Variant Classification Scheme 2023. Collection method: clinical testing. Allele origin: germline.

GeneDx
Classification: Benign. Last evaluated: 2014-04-01. Review status: criteria provided, single submitter. Criteria: GeneDx Variant Classification (06012015). Collection method: clinical testing. Allele origin: germline. Affected: yes.
Comment: This variant is considered likely benign or benign based on one or more of the following criteria: it is a conservative change, it occurs at a poorly conserved position in the protein, it is predicted to be benign by multiple in silico algorithms, and/or has population frequency not consistent with disease.

Genetic Services Laboratory, University of Chicago
Classification: Benign for AllHighlyPenetrant. Last evaluated: 2013-04-16. Review status: criteria provided, single submitter. Criteria: ACMG Guidelines, 2007. Collection method: clinical testing. Allele origin: germline. Inheritance: Autosomal recessive inheritance.

Breakthrough Genomics
Classification: Benign. Review status: criteria provided, single submitter. Criteria: ACMG Guidelines, 2015. Collection method: not provided. Allele origin: germline. Inheritance: Autosomal recessive inheritance. Affected: yes.

PreventionGenetics, part of Exact Sciences
Classification: Benign. Review status: criteria provided, single submitter. Criteria: ACMG Guidelines, 2015. Collection method: clinical testing. Allele origin: germline.

Natera, Inc.
Classification: Benign for Limb-girdle muscular dystrophy type 2I. Last evaluated: 2020-09-16. Review status: no assertion criteria provided. Collection method: clinical testing. Allele origin: germline. Not counted in ClinVar's aggregate classification.

Clinical Genetics DNA and cytogenetics Diagnostics Lab, Erasmus MC, Erasmus Medical Center
Classification: Benign. Review status: no assertion criteria provided. Collection method: clinical testing. Allele origin: germline. Affected: yes. Study: VKGL Data-share Consensus. Not counted in ClinVar's aggregate classification.

Clinical Genetics, Academic Medical Center
Classification: Benign. Review status: no assertion criteria provided. Collection method: clinical testing. Allele origin: germline. Affected: yes. Study: VKGL Data-share Consensus. Not counted in ClinVar's aggregate classification.

NM_024301.5(FKRP):c.192C>T (p.Pro64=)

Gene: FKRP (fukutin related protein; plus strand). Cytogenetic location: 19q13.32.
Variant type: single nucleotide variant.
Coding change: c.192C>T on transcript NM_024301.5 (MANE Select); coding-DNA position 192, C replaced by T.
Protein change: p.Pro64=; no amino-acid change (proline 64 retained).
Molecular consequence: synonymous variant.
Genome position (GRCh38, 1-based): chr19:46,755,642, C>T. VCF-style: chr19-46755642-C-T. GRCh37 (hg19) VCF-style: chr19-47258899-C-T.
Other names: p.P64P:CCC>CCT; p.Pro64=; c.192C>T, p.Pro64= (NM_001039885.3).
Identifiers: ClinVar variation 129056 (VCV000129056.35), dbSNP rs111754012, ClinGen allele CA288847.